The following is an entry in ClinVar:

NM_001852.4(COL9A2):c.971C>T (p.Ala324Val)

Gene: COL9A2 (collagen type IX alpha 2 chain; minus strand). Cytogenetic location: 1p34.2.
Variant type: single nucleotide variant.
Coding change: c.971C>T on transcript NM_001852.4 (MANE Select); coding-DNA position 971, C replaced by T.
Protein change: p.Ala324Val; replaces alanine 324 with valine.
Molecular consequence: missense variant.
Genome position (GRCh38, 1-based): chr1:40,307,483, G>A on the plus strand (C>T on the coding strand, the complement: COL9A2 is on the minus strand). VCF-style: chr1-40307483-G-A. GRCh37 (hg19) VCF-style: chr1-40773155-G-A.
Other names: c.971C>T (NM_001852.3); short protein forms A324V.
Identifiers: ClinVar variation 2188580 (VCV002188580.5), dbSNP rs372004899, ClinGen allele CA791649.

ClinVar aggregate classification (germline): Uncertain significance. Review status: criteria provided, multiple submitters, no conflicts (2 of 4 stars). 2 submissions from 2 submitters: Uncertain significance (2). Last evaluated 2022-10-25.

Conditions:
Inborn genetic diseases. Identifiers: MedGen C0950123, MeSH D030342.

Allele frequency attached by ClinVar (database versions not stated): gnomAD 0.00001; ExAC 0.00002; gnomAD exomes 0.00002; TOPMed 0.00002; ESP Exome Variant Server 0.00008.
gnomAD v4.1: 30 of 1,614,046 alleles (0.0019%); highest among the groups gnomAD compares: Non-Finnish European, 0.0023%; no homozygotes.

Submissions (2):

Labcorp Genetics (formerly Invitae), Labcorp
Classification: Uncertain significance. Last evaluated: 2022-10-25. Review status: criteria provided, single submitter. Criteria: Invitae Variant Classification Sherloc (09022015). Collection method: clinical testing. Allele origin: germline.
Comment: In summary, the available evidence is currently insufficient to determine the role of this variant in disease. Therefore, it has been classified as a Variant of Uncertain Significance. Advanced modeling of protein sequence and biophysical properties (such as structural, functional, and spatial information, amino acid conservation, physicochemical variation, residue mobility, and thermodynamic stability) performed at Invitae indicates that this missense variant is not expected to disrupt COL9A2 protein function. This variant has not been reported in the literature in individuals affected with COL9A2-related conditions. This variant is present in population databases (rs372004899, gnomAD 0.004%). This sequence change replaces alanine, which is neutral and non-polar, with valine, which is neutral and non-polar, at codon 324 of the COL9A2 protein (p.Ala324Val).

Ambry Genetics
Classification: Uncertain significance for Inborn genetic diseases. Last evaluated: 2022-01-10. Review status: criteria provided, single submitter. Criteria: Ambry Variant Classification Scheme 2023. Collection method: clinical testing. Allele origin: germline.